The following is an entry in ClinVar:

ClinVar aggregate classification (germline): Uncertain significance. Review status: criteria provided, multiple submitters, no conflicts (2 of 4 stars). 3 submissions from 3 submitters: Uncertain significance (3). Last evaluated 2025-12-03.

Conditions:
Hereditary cancer-predisposing syndrome. Also called: Tumor predisposition; Neoplastic Syndromes, Hereditary; Hereditary Cancer Syndrome; Hereditary neoplastic syndrome. Identifiers: Orphanet 140162, MedGen C0027672, MeSH D009386, MONDO:0015356.

Submissions (3):

Labcorp Genetics (formerly Invitae), Labcorp
Classification: Uncertain significance. Last evaluated: 2025-12-03. Review status: criteria provided, single submitter. Criteria: Invitae Variant Classification Sherloc (09022015). Collection method: clinical testing. Allele origin: germline.
Comment: This sequence change replaces valine, which is neutral and non-polar, with alanine, which is neutral and non-polar, at codon 146 of the HOXB13 protein (p.Val146Ala). This variant is not present in population databases (gnomAD no frequency). This variant has not been reported in the literature in individuals affected with HOXB13-related conditions. ClinVar contains an entry for this variant (Variation ID: 2013082). Invitae Evidence Modeling of protein sequence and biophysical properties (such as structural, functional, and spatial information, amino acid conservation, physicochemical variation, residue mobility, and thermodynamic stability) indicates that this missense variant is not expected to disrupt HOXB13 protein function with a negative predictive value of 80%. In summary, the available evidence is currently insufficient to determine the role of this variant in disease. Therefore, it has been classified as a Variant of Uncertain Significance.

Ambry Genetics
Classification: Uncertain significance for Hereditary cancer-predisposing syndrome. Last evaluated: 2025-08-25. Review status: criteria provided, single submitter. Criteria: Ambry Variant Classification Scheme 2023. Collection method: clinical testing. Allele origin: germline.
Comment: The p.V146A variant (also known as c.437T>C), located in coding exon 1 of the HOXB13 gene, results from a T to C substitution at nucleotide position 437. The valine at codon 146 is replaced by alanine, an amino acid with similar properties. This amino acid position is conserved. In addition, the in silico prediction for this alteration is inconclusive. Since supporting evidence is limited at this time, the clinical significance of this alteration remains unclear.

GeneDx
Classification: Uncertain significance. Last evaluated: 2024-02-27. Review status: criteria provided, single submitter. Criteria: GeneDx Variant Classification Process June 2021. Collection method: clinical testing. Allele origin: germline. Affected: yes.
Comment: Not observed at significant frequency in large population cohorts (gnomAD); In silico analysis supports that this missense variant does not alter protein structure/function; Has not been previously published as pathogenic or benign to our knowledge; This variant is associated with the following publications: (PMID: 15617687)

NM_006361.6(HOXB13):c.437T>C (p.Val146Ala)

Gene: HOXB13 (homeobox B13; minus strand). Cytogenetic location: 17q21.32.
Variant type: single nucleotide variant.
Coding change: c.437T>C on transcript NM_006361.6 (MANE Select); coding-DNA position 437, T replaced by C.
Protein change: p.Val146Ala; replaces valine 146 with alanine.
Molecular consequence: missense variant.
Genome position (GRCh38, 1-based): chr17:48,728,157, A>G on the plus strand (T>C on the coding strand, the complement: HOXB13 is on the minus strand). VCF-style: chr17-48728157-A-G. GRCh37 (hg19) VCF-style: chr17-46805519-A-G.
Other names: short protein forms V146A.
Identifiers: ClinVar variation 2013082 (VCV002013082.8), dbSNP rs2509515007, ClinGen allele CA400107454.